The following is an entry in ClinVar:

ClinVar aggregate classification (germline): Uncertain significance (1 of 4 stars; one submission).

Conditions:
Myasthenic syndrome, congenital, 22 (CMS22). Also called: PREPL DEFICIENCY. Identifiers: MedGen C4479088, MONDO:0044299, OMIM 616224.

Allele frequency attached by ClinVar (database versions not stated): gnomAD exomes below 0.00001 and 0.00001; ExAC 0.00001; gnomAD 0.00001; TOPMed 0.00002.
gnomAD v4.1: 23 of 1,613,682 alleles (0.0014%); highest among the groups gnomAD compares: Non-Finnish European, 0.0018%; no homozygotes.

Submission:

Labcorp Genetics (formerly Invitae), Labcorp
Classification: Uncertain significance for Myasthenic syndrome, congenital, 22. Last evaluated: 2019-05-29. Review status: criteria provided, single submitter. Criteria: Invitae Variant Classification Sherloc (09022015). Collection method: clinical testing. Allele origin: germline.
Comment: This sequence change replaces isoleucine with threonine at codon 692 of the PREPL protein (p.Ile692Thr). The isoleucine residue is moderately conserved and there is a moderate physicochemical difference between isoleucine and threonine. This variant is present in population databases (rs748104886, ExAC 0.002%). This variant has not been reported in the literature in individuals with PREPL-related conditions. Algorithms developed to predict the effect of missense changes on protein structure and function (SIFT, PolyPhen-2, Align-GVGD) all suggest that this variant is likely to be tolerated, but these predictions have not been confirmed by published functional studies and their clinical significance is uncertain. In summary, the available evidence is currently insufficient to determine the role of this variant in disease. Therefore, it has been classified as a Variant of Uncertain Significance.

NM_001171613.2(PREPL):c.1808T>C (p.Ile603Thr)

Genes: PREPL (prolyl endopeptidase like; minus strand), SLC3A1 (solute carrier family 3 member 1; plus strand). Cytogenetic location: 2p21.
Variant type: single nucleotide variant.
Coding change: c.1808T>C on transcript NM_001171613.2 (MANE Select); coding-DNA position 1808, T replaced by C.
Protein change: p.Ile603Thr; replaces isoleucine 603 with threonine.
Molecular consequence: missense variant.
Genome position (GRCh38, 1-based): chr2:44,321,846, A>G on the plus strand (T>C on the coding strand, the complement: PREPL is on the minus strand). VCF-style: chr2-44321846-A-G. GRCh37 (hg19) VCF-style: chr2-44548985-A-G.
Other names: c.2075T>C, p.Ile692Thr (NM_006036.4, NM_001171603.1, NM_001171606.2 and 2 more transcripts); c.1889T>C, p.Ile630Thr (NM_001042385.2); c.1877T>C, p.Ile626Thr (NM_001042386.2); c.1808T>C, p.Ile603Thr (NM_001171617.1, NM_001374277.1); short protein forms I692T, I626T, I603T, I630T.
Identifiers: ClinVar variation 946116 (VCV000946116.1), dbSNP rs748104886, ClinGen allele CA1640941.
Genomic context (GRCh38, chr2:44,321,846, plus strand): 5'-AGTTCGGGAATCTGTCCACTGAGAGGGCCTTGATAACATACCTTTTTGTGAGAATCCTCA[A>G]TTACATGATTGCCTCCAGGCTGAATATCTAGAATAATATTAGGGGTCTGATAGCCTGGAA-3'
Protein context (NP_001165084.1, residues 593-613): LDIQPGGNHV[Ile603Thr]EDSHKKITAQ